The following is an entry in ClinVar:

ClinVar aggregate classification (germline): Uncertain significance. Review status: criteria provided, multiple submitters, no conflicts (2 of 4 stars). 2 submissions from 2 submitters: Uncertain significance (2). Last evaluated 2025-08-22.

Conditions:
Inborn genetic diseases. Identifiers: MedGen C0950123, MeSH D030342.

Allele frequency attached by ClinVar (database versions not stated): TOPMed below 0.00001; ExAC 0.00001; gnomAD exomes 0.00001.
gnomAD v4.1: 8 of 1,614,192 alleles (0.0005%); highest among the groups gnomAD compares: Non-Finnish European, 0.00068%; no homozygotes.

Submissions (2):

Ambry Genetics
Classification: Uncertain significance for Inborn genetic diseases. Last evaluated: 2025-08-22. Review status: criteria provided, single submitter. Criteria: Ambry Variant Classification Scheme 2023. Collection method: clinical testing. Allele origin: germline.

Labcorp Genetics (formerly Invitae), Labcorp
Classification: Uncertain significance. Last evaluated: 2021-07-08. Review status: criteria provided, single submitter. Criteria: Invitae Variant Classification Sherloc (09022015). Collection method: clinical testing. Allele origin: germline.
Comment: In summary, the available evidence is currently insufficient to determine the role of this variant in disease. Therefore, it has been classified as a Variant of Uncertain Significance. Algorithms developed to predict the effect of missense changes on protein structure and function are either unavailable or do not agree on the potential impact of this missense change (SIFT: "Deleterious"; PolyPhen-2: "Probably Damaging"; Align-GVGD: "Class C0"). This variant has not been reported in the literature in individuals affected with CYP4V2-related conditions. This variant is present in population databases (rs764616926, ExAC 0.001%). This sequence change replaces lysine with threonine at codon 471 of the CYP4V2 protein (p.Lys471Thr). The lysine residue is moderately conserved and there is a moderate physicochemical difference between lysine and threonine.

NM_207352.4(CYP4V2):c.1412A>C (p.Lys471Thr)

Gene: CYP4V2 (cytochrome P450 family 4 subfamily V member 2; plus strand). Cytogenetic location: 4q35.2.
Variant type: single nucleotide variant.
Coding change: c.1412A>C on transcript NM_207352.4 (MANE Select); coding-DNA position 1412, A replaced by C.
Protein change: p.Lys471Thr; replaces lysine 471 with threonine.
Molecular consequence: missense variant.
Genome position (GRCh38, 1-based): chr4:186,210,475, A>C. VCF-style: chr4-186210475-A-C. GRCh37 (hg19) VCF-style: chr4-187131629-A-C.
Other names: c.1412A>C (NM_207352.3); short protein forms K471T.
Identifiers: ClinVar variation 1494755 (VCV001494755.7), dbSNP rs764616926, ClinGen allele CA3162858.